The following is an entry in ClinVar:

NM_001931.5(DLAT):c.436G>A (p.Ala146Thr)

Gene: DLAT (dihydrolipoamide S-acetyltransferase; plus strand). Cytogenetic location: 11q23.1.
Variant type: single nucleotide variant.
Coding change: c.436G>A on transcript NM_001931.5 (MANE Select); coding-DNA position 436, G replaced by A.
Protein change: p.Ala146Thr; replaces alanine 146 with threonine.
Molecular consequence: missense variant. On other transcripts: 5 prime UTR variant (1), non-coding transcript variant (1), intron variant (2).
Genome position (GRCh38, 1-based): chr11:112,028,569, G>A. VCF-style: chr11-112028569-G-A. GRCh37 (hg19) VCF-style: chr11-111899293-G-A.
Other names: c.436G>A, p.Ala146Thr (NM_001372031.1, NM_001372032.1, NM_001372033.1 and 3 more transcripts); c.403G>A, p.Ala135Thr (NM_001372034.1); c.310G>A, p.Ala104Thr (NM_001372036.1); c.268G>A, p.Ala90Thr (NM_001372037.1); c.-31G>A (NM_001372042.1); c.381+2270G>A (NM_001372038.1); c.364+2287G>A (NM_001372040.1); short protein forms A104T, A146T, A135T, A90T.
Identifiers: ClinVar variation 1426443 (VCV001426443.3), dbSNP rs1201600211, ClinGen allele CA382600291.

ClinVar aggregate classification (germline): Uncertain significance (1 of 4 stars; one submission).

Conditions:
Pyruvate dehydrogenase E2 deficiency (PDHDD). Also called: Dihydrolipoamide Acetyltransferase (E2) Deficiency; LACTIC ACIDEMIA DUE TO DEFECT OF E2 LIPOYL TRANSACETYLASE OF THE PYRUVATE DEHYDROGENASE COMPLEX. Identifiers: Orphanet 765, Orphanet 79244, MedGen C1855565, MONDO:0009502, OMIM 245348.

gnomAD v4.1: 3 of 1,614,022 alleles (0.00019%); highest among the groups gnomAD compares: Non-Finnish European, 0.00025%; no homozygotes.

Submission:

Labcorp Genetics (formerly Invitae), Labcorp
Classification: Uncertain significance for Pyruvate dehydrogenase E2 deficiency. Last evaluated: 2021-12-08. Review status: criteria provided, single submitter. Criteria: Invitae Variant Classification Sherloc (09022015). Collection method: clinical testing. Allele origin: germline.
Comment: This sequence change replaces alanine, which is neutral and non-polar, with threonine, which is neutral and polar, at codon 146 of the DLAT protein (p.Ala146Thr). This variant is not present in population databases (gnomAD no frequency). This variant has not been reported in the literature in individuals affected with DLAT-related conditions. Algorithms developed to predict the effect of missense changes on protein structure and function are either unavailable or do not agree on the potential impact of this missense change (SIFT: "Tolerated"; PolyPhen-2: "Probably Damaging"; Align-GVGD: "Class C0"). In summary, the available evidence is currently insufficient to determine the role of this variant in disease. Therefore, it has been classified as a Variant of Uncertain Significance.